The following is an entry in ClinVar:

ClinVar aggregate classification (germline): Uncertain significance. Review status: criteria provided, multiple submitters, no conflicts (2 of 4 stars). 2 submissions from 2 submitters: Uncertain significance (2). Last evaluated 2025-07-27.

Conditions:
Inborn genetic diseases. Identifiers: MedGen C0950123, MeSH D030342.

Allele frequency attached by ClinVar (database versions not stated): gnomAD exomes below 0.00001; TOPMed 0.00001; ExAC 0.00001; gnomAD 0.00001.
gnomAD v4.1: 8 of 1,613,792 alleles (0.0005%); highest among the groups gnomAD compares: African/African-American, 0.0013%; no homozygotes.

Submissions (2):

Labcorp Genetics (formerly Invitae), Labcorp
Classification: Uncertain significance. Last evaluated: 2025-07-27. Review status: criteria provided, single submitter. Criteria: Invitae Variant Classification Sherloc (09022015). Collection method: clinical testing. Allele origin: germline.
Comment: This sequence change replaces tyrosine, which is neutral and polar, with cysteine, which is neutral and slightly polar, at codon 1093 of the SAMD9 protein (p.Tyr1093Cys). This variant is present in population databases (rs781049422, gnomAD 0.003%). This variant has not been reported in the literature in individuals affected with SAMD9-related conditions. ClinVar contains an entry for this variant (Variation ID: 2877501). Invitae Evidence Modeling of protein sequence and biophysical properties (such as structural, functional, and spatial information, amino acid conservation, physicochemical variation, residue mobility, and thermodynamic stability) has been performed for this missense variant. However, the output from this modeling did not meet the statistical confidence thresholds required to predict the impact of this variant on SAMD9 protein function. In summary, the available evidence is currently insufficient to determine the role of this variant in disease. Therefore, it has been classified as a Variant of Uncertain Significance.

Ambry Genetics
Classification: Uncertain significance for Inborn genetic diseases. Last evaluated: 2024-11-17. Review status: criteria provided, single submitter. Criteria: Ambry Variant Classification Scheme 2023. Collection method: clinical testing. Allele origin: germline.
Comment: The p.Y1093C variant (also known as c.3278A>G), located in coding exon 1 of the SAMD9 gene, results from an A to G substitution at nucleotide position 3278. The tyrosine at codon 1093 is replaced by cysteine, an amino acid with highly dissimilar properties. This amino acid position is conserved. In addition, the in silico prediction for this alteration is inconclusive. Based on the available evidence, the clinical significance of this variant remains unclear.

NM_017654.4(SAMD9):c.3278A>G (p.Tyr1093Cys)

Gene: SAMD9 (sterile alpha motif domain containing 9; minus strand). Cytogenetic location: 7q21.2.
Variant type: single nucleotide variant.
Coding change: c.3278A>G on transcript NM_017654.4 (MANE Select); coding-DNA position 3278, A replaced by G.
Protein change: p.Tyr1093Cys; replaces tyrosine 1093 with cysteine.
Molecular consequence: missense variant.
Genome position (GRCh38, 1-based): chr7:93,102,820, T>C on the plus strand (A>G on the coding strand, the complement: SAMD9 is on the minus strand). VCF-style: chr7-93102820-T-C. GRCh37 (hg19) VCF-style: chr7-92732133-T-C.
Other names: c.3278A>G (NM_017654.3); c.3278A>G, p.Tyr1093Cys (NM_001193307.2); short protein forms Y1093C.
Identifiers: ClinVar variation 2877501 (VCV002877501.4), dbSNP rs781049422, ClinGen allele CA4342717.